The following is an entry in ClinVar:

ClinVar aggregate classification (germline): Uncertain significance (1 of 4 stars; one submission).

Allele frequency attached by ClinVar (database versions not stated): ExAC 0.00001; gnomAD 0.00001; gnomAD exomes below 0.00001 and 0.00002; TOPMed 0.00002.

Submission:

Labcorp Genetics (formerly Invitae), Labcorp
Classification: Uncertain significance. Last evaluated: 2026-01-05. Review status: criteria provided, single submitter. Criteria: Invitae Variant Classification Sherloc (09022015). Collection method: clinical testing. Allele origin: germline.
Comment: This sequence change replaces methionine, which is neutral and non-polar, with valine, which is neutral and non-polar, at codon 200 of the RUSC2 protein (p.Met200Val). This variant is present in population databases (rs764805893, gnomAD 0.006%). This variant has not been reported in the literature in individuals affected with RUSC2-related conditions. ClinVar contains an entry for this variant (Variation ID: 1434753). An algorithm developed to predict the effect of missense changes on protein structure and function (PolyPhen-2) suggests that this variant is likely to be disruptive. In summary, the available evidence is currently insufficient to determine the role of this variant in disease. Therefore, it has been classified as a Variant of Uncertain Significance.

NM_014806.5(RUSC2):c.598A>G (p.Met200Val)

Gene: RUSC2 (RUN and SH3 domain containing 2; plus strand). Cytogenetic location: 9p13.3.
Variant type: single nucleotide variant.
Coding change: c.598A>G on transcript NM_014806.5 (MANE Select); coding-DNA position 598, A replaced by G.
Protein change: p.Met200Val; replaces methionine 200 with valine.
Molecular consequence: missense variant. On other transcripts: non-coding transcript variant (1), intron variant (1).
Genome position (GRCh38, 1-based): chr9:35,547,119, A>G. VCF-style: chr9-35547119-A-G. GRCh37 (hg19) VCF-style: chr9-35547116-A-G.
Other names: c.598A>G, p.Met200Val (NM_001135999.2); c.-620-7941A>G (NM_001330740.2); short protein forms M200V.
Identifiers: ClinVar variation 1434753 (VCV001434753.4), dbSNP rs764805893, ClinGen allele CA5043500.
Genomic context (GRCh38, chr9:35,547,119, plus strand): 5'-TTGGATACTCAGCAGTGCGGCACCAGCCACTGCTGCCGGCCAGAGCTGGAAGCAGAGACT[A>G]TGGAGCTGGATGAGTGTGGGGGACCTGGTGGGAGTGGCAGTGGGGGTGGAGCCAGCGATA-3'
Protein context (NP_055621.2, residues 190-210): CCRPELEAET[Met200Val]ELDECGGPGG